The following is an entry in ClinVar:

NM_203447.4(DOCK8):c.3460C>T (p.Arg1154Cys)

Gene: DOCK8 (dedicator of cytokinesis 8; plus strand). Cytogenetic location: 9p24.3.
Variant type: single nucleotide variant.
Coding change: c.3460C>T on transcript NM_203447.4 (MANE Select); coding-DNA position 3460, C replaced by T.
Protein change: p.Arg1154Cys; replaces arginine 1154 with cysteine.
Molecular consequence: missense variant.
Genome position (GRCh38, 1-based): chr9:406,999, C>T. VCF-style: chr9-406999-C-T. GRCh37 (hg19) VCF-style: chr9-406999-C-T.
Other names: c.3160C>T, p.Arg1054Cys (NM_001190458.2); c.3256C>T, p.Arg1086Cys (NM_001193536.2); short protein forms R1154C, R1054C, R1086C.
Identifiers: ClinVar variation 418766 (VCV000418766.55), dbSNP rs34390308, ClinGen allele CA4958695.

ClinVar aggregate classification (germline): Conflicting classifications of pathogenicity. Review status: criteria provided, conflicting classifications (1 of 4 stars). 10 submissions from 10 submitters: Uncertain significance (1); Benign (2); Likely benign (6). 1 of the submissions does not count toward it. Last evaluated 2026-04-01.

Conditions:
DOCK8-related disorder. Also called: DOCK8-related condition.
Combined immunodeficiency due to DOCK8 deficiency (HIES2). Also called: HYPER-IgE RECURRENT INFECTION SYNDROME 2, AUTOSOMAL RECESSIVE; HYPER-IgE SYNDROME 2, AUTOSOMAL RECESSIVE, WITH RECURRENT INFECTIONS; DOCK8 Deficiency; HIES autosomal recessive; Hyper-IgE recurrent infection syndrome, autosomal recessive. Identifiers: Orphanet 217390, MedGen C4722305, MONDO:0009478, OMIM 243700.

Allele frequency attached by ClinVar (database versions not stated): ESP Exome Variant Server 0.00154; gnomAD 0.00170 and 0.00187; TOPMed 0.00176; 1000 Genomes Project 30x 0.00203; 1000 Genomes Project 0.00240; ExAC 0.00259.
gnomAD v4.1: 3,010 of 1,614,128 alleles (0.19%); highest among the groups gnomAD compares: Middle Eastern, 0.82%; 16 homozygotes.

Submissions (10):

CeGaT Center for Human Genetics Tuebingen
Classification: Likely benign. Last evaluated: 2026-04-01. Review status: criteria provided, single submitter. Criteria: CeGaT Center For Human Genetics Tuebingen Variant Classification Criteria Version 2. Collection method: clinical testing. Allele origin: germline. Affected: yes. Observed: 8 variant alleles.
Comment: DOCK8: BS2

Women's Health and Genetics/Laboratory Corporation of America, LabCorp
Classification: Likely benign. Last evaluated: 2026-02-06. Review status: criteria provided, single submitter. Criteria: LabCorp Variant Classification Summary - May 2015. Collection method: clinical testing. Allele origin: germline.
Comment: Variant summary: DOCK8 c.3460C>T (p.Arg1154Cys) results in a non-conservative amino acid change in the encoded protein sequence. Algorithms developed to predict the effect of missense changes on protein structure and function are either unavailable or do not agree on the potential impact of this missense change. The variant allele was found at a frequency of 0.0029 in 251248 control chromosomes, predominantly at a frequency of 0.0068 within the South Asian subpopulation in the gnomAD database, including 2 homozygotes. The observed variant frequency within South Asian control individuals in the gnomAD database exceeds the estimated maximal expected allele frequency for disease-causing variants in DOCK8. c.3460C>T has been observed in a study in an US cohort of patients with common variable immunodeficiency without evidence for causality (von Beck_2024). These report(s) do not provide unequivocal conclusions about association of the variant with Combined immunodeficiency due to DOCK8 deficiency. To our knowledge, no experimental evidence demonstrating an impact on protein function has been reported. The following publication have been ascertained in the context of this evaluation (PMID: 39415980). ClinVar contains an entry for this variant (Variation ID: 418766). Based on the evidence outlined above, the variant was classified as likely benign.

Labcorp Genetics (formerly Invitae), Labcorp
Classification: Benign for Combined immunodeficiency due to DOCK8 deficiency. Last evaluated: 2026-02-01. Review status: criteria provided, single submitter. Criteria: Invitae Variant Classification Sherloc (09022015). Collection method: clinical testing. Allele origin: germline.

Blueprint Genetics
Classification: Likely benign. Last evaluated: 2024-11-22. Review status: criteria provided, single submitter. Criteria: ACMG Guidelines, 2015. Collection method: clinical testing. Allele origin: germline.

Genetic Services Laboratory, University of Chicago
Classification: Likely benign. Last evaluated: 2021-11-04. Review status: criteria provided, single submitter. Criteria: ACMG Guidelines, 2015. Collection method: clinical testing. Allele origin: germline. Affected: no.

Dubai Health Genomic Medicine Center, Dubai Health
Classification: Benign for Combined immunodeficiency due to DOCK8 deficiency. Last evaluated: 2020-12-10. Review status: criteria provided, single submitter. Criteria: ACMG Guidelines, 2015. Collection method: clinical testing. Allele origin: germline. Affected: yes.

Diagnostics Services (NGS), CSIR - Centre For Cellular And Molecular Biology
Classification: Uncertain significance for Combined immunodeficiency due to DOCK8 deficiency. Last evaluated: 2020-04-17. Review status: criteria provided, single submitter. Criteria: ACMG Guidelines, 2015. Collection method: clinical testing. Allele origin: unknown. Affected: yes. Observed: 1 heterozygote.
Comment: The c.3460C>T variant is present in publicly available databases like 1000 Genomes, Exome Variant Server (EVS), Exome Aggregation Consortium (ExAC), Genome Aggregation Database (gnomAD) and dbSNP at low frequency (MAF<0.003), including 3 homozygotes in gnomAD. The variant is also present in our in-house exome database at low frequency (MAF~004), in heterozygous state. The variant was reported earlier to ClinVar database (Accession: VCV000418766.3) with conflicting interpretations of pathogenicity (benign/uncertain significance), however clinical condition was not provided. In-silico pathogenicity prediction programs like PolyPhen-3, MutationTaster2, CADD etc. predicted this variant to be likely deleterious. However there are no documented functional studies to prove this. Due to lack of evidence the variant has been classified as un certain significance.

GeneDx
Classification: Likely benign. Last evaluated: 2019-03-28. Review status: criteria provided, single submitter. Criteria: GeneDx Variant Classification Process June 2021. Collection method: clinical testing. Allele origin: germline. Affected: yes.

Illumina Laboratory Services, Illumina
Classification: Likely benign for Combined immunodeficiency due to DOCK8 deficiency. Last evaluated: 2018-01-13. Review status: criteria provided, single submitter. Criteria: ICSL Variant Classification Criteria 13 December 2019. Collection method: clinical testing. Allele origin: germline.
Comment: This variant was observed in the ICSL laboratory as part of a predisposition screen in an ostensibly healthy population. It had not been previously curated by ICSL or reported in the Human Gene Mutation Database (HGMD: prior to June 1st, 2018), and was therefore a candidate for classification through an automated scoring system. Utilizing variant allele frequency, disease prevalence and penetrance estimates, and inheritance mode, an automated score was calculated to assess if this variant is too frequent to cause the disease. Based on the score and internal cut-off values, a variant classified as likely benign is not then subjected to further curation. The score for this variant resulted in a classification of likely benign for this disease.

PreventionGenetics, part of Exact Sciences
Classification: Likely benign for DOCK8-related condition. Last evaluated: 2020-03-02. Review status: no assertion criteria provided. Collection method: clinical testing. Allele origin: germline. Not counted in ClinVar's aggregate classification.
Comment: This variant is classified as likely benign based on ACMG/AMP sequence variant interpretation guidelines (Richards et al. 2015 PMID: 25741868, with internal and published modifications).

Literature cited by the submitters: PubMed 39415980 (cited by Women's Health and Genetics/Laboratory Corporation of America, LabCorp).